The following is an entry in ClinVar:

ClinVar aggregate classification (germline): Uncertain significance (1 of 4 stars; one submission).

Conditions:
Neuropathy, hereditary sensory and autonomic, type 2A (HSAN2A). Also called: HSAN IIA; WNK1-Related HSAN2 (HSAN2A); MORVAN DISEASE; NEUROPATHY, CONGENITAL SENSORY; NEUROPATHY, HEREDITARY SENSORY RADICULAR, AUTOSOMAL RECESSIVE; NEUROPATHY, HEREDITARY SENSORY, TYPE IIA. Identifiers: Orphanet 970, MedGen C2752089, MONDO:0024309, OMIM 201300.
Pseudohypoaldosteronism type 2C (PHA2C). Also called: Pseudohypoaldosteronism Type IIC. Identifiers: Orphanet 757, Orphanet 88940, MedGen C1840391, MONDO:0013778, OMIM 614492.

gnomAD v4.1: 4 of 1,603,322 alleles (0.00025%); highest among the groups gnomAD compares: Non-Finnish European, 0.00034%; no homozygotes.

Submission:

Labcorp Genetics (formerly Invitae), Labcorp
Classification: Uncertain significance for Neuropathy, hereditary sensory and autonomic, type 2A; Pseudohypoaldosteronism type 2C. Last evaluated: 2019-05-21. Review status: criteria provided, single submitter. Criteria: Invitae Variant Classification Sherloc (09022015). Collection method: clinical testing. Allele origin: germline.
Comment: In summary, the available evidence is currently insufficient to determine the role of this variant in disease. Therefore, it has been classified as a Variant of Uncertain Significance. Algorithms developed to predict the effect of missense changes on protein structure and function (SIFT, PolyPhen-2, Align-GVGD) all suggest that this variant is likely to be tolerated, but these predictions have not been confirmed by published functional studies and their clinical significance is uncertain. This variant has not been reported in the literature in individuals with WNK1-related disease. This variant is not present in population databases (ExAC no frequency). This sequence change replaces alanine with serine at codon 129 of the WNK1 protein (p.Ala129Ser). The alanine residue is moderately conserved and there is a moderate physicochemical difference between alanine and serine.

NM_018979.4(WNK1):c.385G>T (p.Ala129Ser)

Gene: WNK1 (WNK lysine deficient protein kinase 1; plus strand). Cytogenetic location: 12p13.33.
Variant type: single nucleotide variant.
Coding change: c.385G>T on transcript NM_018979.4 (MANE Select); coding-DNA position 385, G replaced by T.
Protein change: p.Ala129Ser; replaces alanine 129 with serine.
Molecular consequence: missense variant.
Genome position (GRCh38, 1-based): chr12:753,950, G>T. VCF-style: chr12-753950-G-T. GRCh37 (hg19) VCF-style: chr12-863116-G-T.
Other names: c.385G>T, p.Ala129Ser (NM_001184985.2, NM_014823.3, NM_213655.5); short protein forms A129S.
Identifiers: ClinVar variation 538506 (VCV000538506.10), dbSNP rs752345591, ClinGen allele CA383306077.